The following is an entry in ClinVar:

NM_005465.7(AKT3):c.173-177G>A

Gene: AKT3 (AKT serine/threonine kinase 3; minus strand). Cytogenetic location: 1q44.
Variant type: single nucleotide variant.
Coding change: c.173-177G>A on transcript NM_005465.7 (MANE Select); 177 bases into the intron before coding-DNA position 173, G replaced by A.
Molecular consequence: intron variant.
Genome position (GRCh38, 1-based): chr1:243,665,060, C>T on the plus strand (G>A on the coding strand, the complement: AKT3 is on the minus strand). VCF-style: chr1-243665060-C-T. GRCh37 (hg19) VCF-style: chr1-243828362-C-T.
Other names: c.173-177G>A (NM_181690.2, NM_001370074.1, NM_001206729.2).
Identifiers: ClinVar variation 679584 (VCV000679584.1), dbSNP rs79620789, ClinGen allele CA41036866.
Genomic context (GRCh38, chr1:243,665,060, plus strand): 5'-ATGGTTCTCCACTCAAGATTATTTACAGCCTGACCTTAGTCTTCCTTTCCAATCCTTCAC[C>T]CATTCTGGCCACATTAACCACCTCAACTGGACTATATAATTTTCCCCAAACACACATCTT-3'

ClinVar aggregate classification (germline): Likely benign (1 of 4 stars; one submission).

Allele frequency attached by ClinVar (database versions not stated): 1000 Genomes Project 0.00998; 1000 Genomes Project 30x 0.01124; gnomAD 0.01188 and 0.01284; TOPMed 0.01323.
gnomAD v4.1: 1,787 of 152,282 alleles (1.2%); highest among the groups gnomAD compares: African/African-American, 4.1%; 31 homozygotes.

Submission:

GeneDx
Classification: Likely benign. Last evaluated: 2018-06-16. Review status: criteria provided, single submitter. Criteria: GeneDx Variant Classification (06012015). Collection method: clinical testing. Allele origin: germline. Affected: yes.
Comment: This variant is considered likely benign or benign based on one or more of the following criteria: it is a conservative change, it occurs at a poorly conserved position in the protein, it is predicted to be benign by multiple in silico algorithms, and/or has population frequency not consistent with disease.